The following is an entry in ClinVar:

ClinVar aggregate classification (germline): Uncertain significance (1 of 4 stars; one submission).

Conditions:
Long QT syndrome (LQTS). Identifiers: MedGen C0023976, MeSH D008133, MONDO:0002442. Disease mechanism: loss of function. Inheritance: Various modes of inheritance.

Submission:

Labcorp Genetics (formerly Invitae), Labcorp
Classification: Uncertain significance for Long QT syndrome. Last evaluated: 2018-09-20. Review status: criteria provided, single submitter. Criteria: Invitae Variant Classification Sherloc (09022015). Collection method: clinical testing. Allele origin: germline.
Comment: In summary, the available evidence is currently insufficient to determine the role of this variant in disease. Therefore, it has been classified as a Variant of Uncertain Significance. Experimental studies and prediction algorithms are not available for this variant, and the functional significance of the deleted amino acid(s) is currently unknown. This variant has not been reported in the literature in individuals with CAV3-related disease. This variant is not present in population databases (ExAC no frequency). This variant, c.99_102delinsT, results in the deletion of one amino acid of the CAV3 protein (p.Glu34del), but otherwise preserves the integrity of the reading frame.

NM_033337.3(CAV3):c.99_102delinsT (p.Glu34del)

Gene: CAV3 (caveolin 3; plus strand). Cytogenetic location: 3p25.3.
Variant type: Indel.
Coding change: c.99_102delinsT on transcript NM_033337.3 (MANE Select); coding-DNA positions 99 to 102, CGAG replaced by T.
Protein change: p.Glu34del; deletes glutamic acid 34.
Molecular consequence: inframe deletion.
Genome position (GRCh38, 1-based): chr3:8,733,975-8,733,978, CGAG replaced by T. VCF-style: chr3-8733975-CGAG-T. GRCh37 (hg19) VCF-style: chr3-8775661-CGAG-T.
Other names: c.99_102delinsT, p.Glu34del (NM_001234.5); short protein forms E34del.
Identifiers: ClinVar variation 577351 (VCV000577351.6), dbSNP rs1559640153, ClinGen allele CA891842703.